The following is an entry in ClinVar:

ClinVar aggregate classification (germline): Uncertain significance (1 of 4 stars; one submission).

Submission:

GeneDx
Classification: Uncertain significance. Last evaluated: 2025-08-18. Review status: criteria provided, single submitter. Criteria: GeneDx Variant Classification Process June 2021. Collection method: clinical testing. Allele origin: germline.
Comment: Not observed at significant frequency in large population cohorts (gnomAD); In silico analysis supports that this missense variant has a deleterious effect on protein structure/function; Has not been previously published as pathogenic or benign to our knowledge

NM_201599.3(ZMYM3):c.187C>G (p.Pro63Ala)

Gene: ZMYM3 (zinc finger MYM-type containing 3; minus strand). Cytogenetic location: Xq13.1.
Variant type: single nucleotide variant.
Coding change: c.187C>G on transcript NM_201599.3 (MANE Select); coding-DNA position 187, C replaced by G.
Protein change: p.Pro63Ala; replaces proline 63 with alanine.
Molecular consequence: missense variant.
Genome position (GRCh38, 1-based): chrX:71,253,069, G>C on the plus strand (C>G on the coding strand, the complement: ZMYM3 is on the minus strand). VCF-style: chrX-71253069-G-C. GRCh37 (hg19) VCF-style: chrX-70472919-G-C.
Other names: c.187C>G, p.Pro63Ala (NM_001171162.1, NM_001171163.1, NM_005096.3); short protein forms P63A.
Identifiers: ClinVar variation 3764428 (VCV003764428.2).